The following is an entry in ClinVar:

ClinVar aggregate classification (germline): Benign/Likely benign. Review status: criteria provided, multiple submitters, no conflicts (2 of 4 stars). 6 submissions from 6 submitters: Benign (4); Likely benign (2). Last evaluated 2026-01-28.

Conditions:
Primary ciliary dyskinesia. Also called: Ciliary dyskinesia. Identifiers: Orphanet 244, MedGen C0008780, MONDO:0016575, HP:0012265.
Primary ciliary dyskinesia 7. Also called: CILIARY DYSKINESIA, PRIMARY, 7, WITH OR WITHOUT SITUS INVERSUS. Identifiers: Orphanet 244, MedGen C2678473, MONDO:0012748, OMIM 611884.

Allele frequency attached by ClinVar (database versions not stated): 1000 Genomes Project 0.01358; gnomAD 0.01466; 1000 Genomes Project 30x 0.01468; ESP Exome Variant Server 0.01523; TOPMed 0.01525.
gnomAD v4.1: 4,148 of 1,613,676 alleles (0.26%); highest among the groups gnomAD compares: African/African-American, 4.9%; 94 homozygotes.

Submissions (6):

Labcorp Genetics (formerly Invitae), Labcorp
Classification: Benign for Primary ciliary dyskinesia. Last evaluated: 2026-01-28. Review status: criteria provided, single submitter. Criteria: Invitae Variant Classification Sherloc (09022015). Collection method: clinical testing. Allele origin: germline.

ARUP Laboratories, Molecular Genetics and Genomics, ARUP Laboratories
Classification: Benign for Primary ciliary dyskinesia 7. Last evaluated: 2025-01-30. Review status: criteria provided, single submitter. Criteria: ARUP Molecular Germline Variant Investigation Process 2024. Collection method: clinical testing. Allele origin: germline.

GeneDx
Classification: Likely benign. Last evaluated: 2023-11-15. Review status: criteria provided, single submitter. Criteria: GeneDx Variant Classification Process June 2021. Collection method: clinical testing. Allele origin: germline. Affected: yes.
Comment: See Variant Classification Assertion Criteria.

Center for Pediatric Genomic Medicine, Children's Mercy Hospital and Clinics
Classification: Likely benign. Last evaluated: 2017-04-27. Review status: criteria provided, single submitter. Criteria: ACMG Guidelines, 2015. Collection method: clinical testing. Allele origin: germline.

Ambry Genetics
Classification: Benign for Primary ciliary dyskinesia. Last evaluated: 2017-04-17. Review status: criteria provided, single submitter. Criteria: Ambry Variant Classification Scheme 2023. Collection method: clinical testing. Allele origin: germline.

PreventionGenetics, part of Exact Sciences
Classification: Benign. Review status: criteria provided, single submitter. Criteria: ACMG Guidelines, 2015. Collection method: clinical testing. Allele origin: germline.

NM_001277115.2(DNAH11):c.8969G>A (p.Arg2990His)

Gene: DNAH11 (dynein axonemal heavy chain 11; plus strand). Cytogenetic location: 7p15.3.
Variant type: single nucleotide variant.
Coding change: c.8969G>A on transcript NM_001277115.2 (MANE Select); coding-DNA position 8969, G replaced by A.
Protein change: p.Arg2990His; replaces arginine 2990 with histidine.
Molecular consequence: missense variant.
Genome position (GRCh38, 1-based): chr7:21,765,456, G>A. VCF-style: chr7-21765456-G-A. GRCh37 (hg19) VCF-style: chr7-21805074-G-A.
Other names: short protein forms R2990H.
Identifiers: ClinVar variation 238937 (VCV000238937.27), dbSNP rs72657371, ClinGen allele CA4181804.